The following is an entry in ClinVar:

ClinVar aggregate classification (germline): Likely benign. Review status: criteria provided, multiple submitters, no conflicts (2 of 4 stars). 3 submissions from 3 submitters: Likely benign (3). Last evaluated 2025-07-31.

Allele frequency attached by ClinVar (database versions not stated): TOPMed 0.00005; 1000 Genomes Project 30x 0.00021; gnomAD 0.00070.
gnomAD v4.1: 688 of 1,201,875 alleles (0.057%); highest among the groups gnomAD compares: Non-Finnish European, 0.019%; 1 homozygote.

Submissions (3):

Mayo Clinic Laboratories, Mayo Clinic
Classification: Likely benign. Last evaluated: 2025-07-31. Review status: criteria provided, single submitter. Criteria: ACMG Guidelines, 2015. Collection method: clinical testing. Allele origin: germline. Observed: 1 variant allele.
Comment: BA1

Blueprint Genetics
Classification: Likely benign. Last evaluated: 2024-11-21. Review status: criteria provided, single submitter. Criteria: ACMG Guidelines, 2015. Collection method: clinical testing. Allele origin: germline.

CeGaT Center for Human Genetics Tuebingen
Classification: Likely benign. Last evaluated: 2022-05-01. Review status: criteria provided, single submitter. Criteria: CeGaT Center For Human Genetics Tuebingen Variant Classification Criteria Version 2. Collection method: clinical testing. Allele origin: germline. Affected: yes. Observed: 1 variant allele.
Comment: FMR1: PP3, BS2

NM_002024.6(FMR1):c.1126-1G>A

Gene: FMR1 (fragile X messenger ribonucleoprotein 1; plus strand). Cytogenetic location: Xq27.3.
Variant type: single nucleotide variant.
Coding change: c.1126-1G>A on transcript NM_002024.6 (MANE Select); the canonical splice acceptor site of the intron before coding-DNA position 1126, G replaced by A.
Molecular consequence: splice acceptor variant. On other transcripts: intron variant (3).
Genome position (GRCh38, 1-based): chrX:147,938,098, G>A. VCF-style: chrX-147938098-G-A. GRCh37 (hg19) VCF-style: chrX-147019617-G-A.
Other names: c.1126-1G>A (NM_001185075.2, NM_002024.5); c.1125+498G>A (NM_001185076.2, NM_001185082.2, NM_001185081.2).
Identifiers: ClinVar variation 2661594 (VCV002661594.26), dbSNP rs199745848, ClinGen allele CA10536284.
Genomic context (GRCh38, chrX:147,938,098, plus strand): 5'-GGCTTCTGTGTATCGTTTGTTATAGTTAATGACATCCCTTGCATTCCTTATACTGCTTTA[G>A]GTGTTAGTGGCTTCATCAGTTGTAGCAGGGGAATCCCAGAAACCTGAACTCAAGGCTTGG-3'